The following is an entry in ClinVar:

ClinVar aggregate classification (germline): Uncertain significance (1 of 4 stars; one submission).

Conditions:
Bloom syndrome (BLM). Also called: Bloom-Torre-Machacek syndrome. Identifiers: Orphanet 125, MedGen C0005859, MONDO:0008876, OMIM 210900.

Submission:

Labcorp Genetics (formerly Invitae), Labcorp
Classification: Uncertain significance for Bloom syndrome. Last evaluated: 2021-11-23. Review status: criteria provided, single submitter. Criteria: Invitae Variant Classification Sherloc (09022015). Collection method: clinical testing. Allele origin: germline.
Comment: In summary, the available evidence is currently insufficient to determine the role of this variant in disease. Therefore, it has been classified as a Variant of Uncertain Significance. Algorithms developed to predict the effect of missense changes on protein structure and function are either unavailable or do not agree on the potential impact of this missense change (SIFT: "Deleterious"; PolyPhen-2: "Possibly Damaging"; Align-GVGD: "Class C0"). This variant has not been reported in the literature in individuals affected with BLM-related conditions. This variant is not present in population databases (gnomAD no frequency). This sequence change replaces lysine, which is basic and polar, with methionine, which is neutral and non-polar, at codon 653 of the BLM protein (p.Lys653Met).

NM_000057.4(BLM):c.1958A>T (p.Lys653Met)

Gene: BLM (BLM RecQ like helicase; plus strand). Cytogenetic location: 15q26.1.
Variant type: single nucleotide variant.
Coding change: c.1958A>T on transcript NM_000057.4 (MANE Select); coding-DNA position 1958, A replaced by T.
Protein change: p.Lys653Met; replaces lysine 653 with methionine.
Molecular consequence: missense variant.
Genome position (GRCh38, 1-based): chr15:90,763,041, A>T. VCF-style: chr15-90763041-A-T. GRCh37 (hg19) VCF-style: chr15-91306271-A-T.
Other names: c.1958A>T, p.Lys653Met (NM_001287246.2, NM_001287247.2); c.833A>T, p.Lys278Met (NM_001287248.2); short protein forms K278M, K653M.
Identifiers: ClinVar variation 1427288 (VCV001427288.6), dbSNP rs1896028357, ClinGen allele CA393844227.